The following is an entry in ClinVar:

NM_001379659.1(ZNF142):c.3959G>T (p.Arg1320Met)

Gene: ZNF142 (zinc finger protein 142; minus strand). Cytogenetic location: 2q35.
Variant type: single nucleotide variant.
Coding change: c.3959G>T on transcript NM_001379659.1 (MANE Select); coding-DNA position 3959, G replaced by T.
Protein change: p.Arg1320Met; replaces arginine 1320 with methionine.
Molecular consequence: missense variant.
Genome position (GRCh38, 1-based): chr2:218,643,157, C>A on the plus strand (G>T on the coding strand, the complement: ZNF142 is on the minus strand). VCF-style: chr2-218643157-C-A. GRCh37 (hg19) VCF-style: chr2-219507880-C-A.
Other names: c.3359G>T, p.Arg1120Met (NM_001105537.5, NM_001379662.1, NM_001366291.3); c.3959G>T, p.Arg1320Met (NM_001379660.1, NM_001379661.1, NM_001366290.3); c.2870G>T, p.Arg957Met (NM_001366287.3, NM_001366288.3, NM_001366289.3); short protein forms R1120M, R1320M, R957M.
Identifiers: ClinVar variation 3355814 (VCV003355814.1).

ClinVar aggregate classification (germline): Uncertain significance (0 of 4 stars; one submission).

Conditions:
ZNF142-related disorder. Also called: ZNF142-related condition.

Submission:

PreventionGenetics, part of Exact Sciences
Classification: Uncertain significance for ZNF142-related condition. Last evaluated: 2024-09-21. Review status: no assertion criteria provided. Collection method: clinical testing. Allele origin: germline.
Comment: The ZNF142 c.3359G>T variant is predicted to result in the amino acid substitution p.Arg1120Met. To our knowledge, this variant has not been reported in the literature or in a large population database, indicating this variant is rare. At this time, the clinical significance of this variant is uncertain due to the absence of conclusive functional and genetic evidence.